The following is an entry in ClinVar:

NM_183235.3(RAB27A):c.365A>T (p.Tyr122Phe)

Gene: RAB27A (RAB27A, member RAS oncogene family; minus strand). Cytogenetic location: 15q21.3.
Variant type: single nucleotide variant.
Coding change: c.365A>T on transcript NM_183235.3 (MANE Select); coding-DNA position 365, A replaced by T.
Protein change: p.Tyr122Phe; replaces tyrosine 122 with phenylalanine.
Molecular consequence: missense variant.
Genome position (GRCh38, 1-based): chr15:55,223,991, T>A on the plus strand (A>T on the coding strand, the complement: RAB27A is on the minus strand). VCF-style: chr15-55223991-T-A. GRCh37 (hg19) VCF-style: chr15-55516189-T-A.
Other names: c.365A>T, p.Tyr122Phe (NM_004580.5, NM_183234.3, NM_183236.3); short protein forms Y122F.
Identifiers: ClinVar variation 536460 (VCV000536460.7), dbSNP rs1259290779, ClinGen allele CA392529856.
Genomic context (GRCh38, chr15:55,223,991, plus strand): 5'-ACTCTCTGGTCCTCCAGATCACTCTTGTTTCCACACAGCACTATATCTGGGTTTTCACAA[T>A]ATGCATGCATCTGTAGCTGGCCTATTAATATAAGAAAGTTTATTATATATGTAAATAATA-3'
Protein context (NP_899058.1, residues 112-132): NWISQLQMHA[Tyr122Phe]CENPDIVLCG

ClinVar aggregate classification (germline): Uncertain significance (1 of 4 stars; one submission).

Conditions:
Griscelli syndrome type 2 (GS2). Also called: GRISCELLI SYNDROME WITH HEMOPHAGOCYTIC SYNDROME; PAID SYNDROME; PARTIAL ALBINISM AND IMMUNODEFICIENCY SYNDROME. Identifiers: Orphanet 381, Orphanet 79477, MedGen C1868679, MONDO:0011872, OMIM 607624.

Allele frequency attached by ClinVar (database versions not stated): gnomAD exomes below 0.00001; TOPMed 0.00001.
gnomAD v4.1: 18 of 1,589,392 alleles (0.0011%); highest among the groups gnomAD compares: Non-Finnish European, 0.0015%; no homozygotes.

Submission:

Labcorp Genetics (formerly Invitae), Labcorp
Classification: Uncertain significance for Griscelli syndrome type 2. Last evaluated: 2021-08-31. Review status: criteria provided, single submitter. Criteria: Invitae Variant Classification Sherloc (09022015). Collection method: clinical testing. Allele origin: germline.
Comment: This sequence change replaces tyrosine with phenylalanine at codon 122 of the RAB27A protein (p.Tyr122Phe). The tyrosine residue is highly conserved and there is a small physicochemical difference between tyrosine and phenylalanine. This variant is not present in population databases (ExAC no frequency). This variant has not been reported in the literature in individuals affected with RAB27A-related conditions. Algorithms developed to predict the effect of missense changes on protein structure and function are either unavailable or do not agree on the potential impact of this missense change (SIFT: "Deleterious"; PolyPhen-2: "Probably Damaging"; Align-GVGD: "Class C15"). In summary, the available evidence is currently insufficient to determine the role of this variant in disease. Therefore, it has been classified as a Variant of Uncertain Significance.